The following is an entry in ClinVar:

ClinVar aggregate classification (germline): Conflicting classifications of pathogenicity. Review status: criteria provided, conflicting classifications (1 of 4 stars). 2 submissions from 2 submitters: Uncertain significance (1); Likely benign (1). Last evaluated 2025-05-18.

Allele frequency attached by ClinVar (database versions not stated): ExAC 0.00004; gnomAD 0.00007; gnomAD exomes 0.00009; TOPMed 0.00009; 1000 Genomes Project 0.00020; 1000 Genomes Project 30x 0.00031.
gnomAD v4.1: 158 of 1,606,226 alleles (0.0098%); highest among the groups gnomAD compares: East Asian, 0.02%; no homozygotes.

Submissions (2):

Labcorp Genetics (formerly Invitae), Labcorp
Classification: Uncertain significance. Last evaluated: 2025-05-18. Review status: criteria provided, single submitter. Criteria: Invitae Variant Classification Sherloc (09022015). Collection method: clinical testing. Allele origin: germline.
Comment: This sequence change replaces arginine, which is basic and polar, with glutamine, which is neutral and polar, at codon 532 of the FAM186B protein (p.Arg532Gln). This variant is present in population databases (rs557621248, gnomAD 0.04%). This variant has not been reported in the literature in individuals affected with FAM186B-related conditions. ClinVar contains an entry for this variant (Variation ID: 2590168). An algorithm developed to predict the effect of missense changes on protein structure and function outputs the following: PolyPhen-2: "Benign". The glutamine amino acid residue is found in multiple mammalian species, which suggests that this missense change does not adversely affect protein function. In summary, the available evidence is currently insufficient to determine the role of this variant in disease. Therefore, it has been classified as a Variant of Uncertain Significance.

Ambry Genetics
Classification: Likely benign. Last evaluated: 2023-08-15. Review status: criteria provided, single submitter. Criteria: Ambry Variant Classification Scheme 2023. Collection method: clinical testing. Allele origin: germline.

NM_032130.3(FAM186B):c.1595G>A (p.Arg532Gln)

Gene: FAM186B (family with sequence similarity 186 member B; minus strand). Cytogenetic location: 12q13.12.
Variant type: single nucleotide variant.
Coding change: c.1595G>A on transcript NM_032130.3 (MANE Select); coding-DNA position 1595, G replaced by A.
Protein change: p.Arg532Gln; replaces arginine 532 with glutamine.
Molecular consequence: missense variant. On other transcripts: non-coding transcript variant (1).
Genome position (GRCh38, 1-based): chr12:49,600,045, C>T on the plus strand (G>A on the coding strand, the complement: FAM186B is on the minus strand). VCF-style: chr12-49600045-C-T. GRCh37 (hg19) VCF-style: chr12-49993828-C-T.
Other names: short protein forms R532Q.
Identifiers: ClinVar variation 2590168 (VCV002590168.3), dbSNP rs557621248, ClinGen allele CA6554663.